The following is an entry in ClinVar:

NM_000465.4(BARD1):c.219T>C (p.Asn73=)

Gene: BARD1 (BRCA1 associated RING domain 1; minus strand). Cytogenetic location: 2q35.
Variant type: single nucleotide variant.
Coding change: c.219T>C on transcript NM_000465.4 (MANE Select); coding-DNA position 219, T replaced by C.
Protein change: p.Asn73=; no amino-acid change (asparagine 73 retained).
Molecular consequence: synonymous variant. On other transcripts: non-coding transcript variant (1), intron variant (2).
Genome position (GRCh38, 1-based): chr2:214,792,442, A>G on the plus strand (T>C on the coding strand, the complement: BARD1 is on the minus strand). VCF-style: chr2-214792442-A-G. GRCh37 (hg19) VCF-style: chr2-215657166-A-G.
Other names: c.162T>C, p.Asn54= (NM_001282543.2); c.219T>C, p.Asn73= (NM_001282549.2); c.158+16970T>C (NM_001282548.2); c.215+4619T>C (NM_001282545.2).
Identifiers: ClinVar variation 1787570 (VCV001787570.8), dbSNP rs1695569326, ClinGen allele CA431142442.

ClinVar aggregate classification (germline): Benign/Likely benign. Review status: criteria provided, multiple submitters, no conflicts (2 of 4 stars). 3 submissions from 3 submitters: Benign (1); Likely benign (2). Last evaluated 2024-08-19.

Conditions:
Hereditary cancer-predisposing syndrome. Also called: Neoplastic Syndromes, Hereditary; Tumor predisposition; Hereditary Cancer Syndrome; Hereditary neoplastic syndrome. Identifiers: Orphanet 140162, MedGen C0027672, MeSH D009386, MONDO:0015356.
Familial cancer of breast. Also called: BREAST CANCER, FAMILIAL; Hereditary breast cancer; hereditary breast carcinoma. Identifiers: Orphanet 227535, MedGen C0346153, MONDO:0016419, OMIM 114480. Disease mechanism: loss of function.

Allele frequency attached by ClinVar (database versions not stated): gnomAD 0.00001; gnomAD exomes 0.00001.
gnomAD v4.1: 4 of 1,580,292 alleles (0.00025%); highest among the groups gnomAD compares: Admixed American, 0.0018%; no homozygotes.

Submissions (3):

Labcorp Genetics (formerly Invitae), Labcorp
Classification: Likely benign for Familial cancer of breast. Last evaluated: 2024-08-19. Review status: criteria provided, single submitter. Criteria: Invitae Variant Classification Sherloc (09022015). Collection method: clinical testing. Allele origin: germline.

Myriad Genetics, Inc.
Classification: Benign for Familial cancer of breast. Last evaluated: 2024-07-19. Review status: criteria provided, single submitter. Criteria: Myriad Autosomal Dominant, Autosomal Recessive and X-Linked Classification Criteria (2023). Collection method: clinical testing. Allele origin: unknown.
Comment: This variant is considered benign. This variant is a silent/synonymous amino acid change and it is not expected to impact splicing.

Ambry Genetics
Classification: Likely benign for Hereditary cancer-predisposing syndrome. Last evaluated: 2021-04-27. Review status: criteria provided, single submitter. Criteria: Ambry Variant Classification Scheme 2023. Collection method: clinical testing. Allele origin: germline.